The following is an entry in ClinVar:

NM_000179.3(MSH6):c.3544A>T (p.Arg1182Ter)

Gene: MSH6 (mutS homolog 6; plus strand). Cytogenetic location: 2p16.3.
Variant type: single nucleotide variant.
Coding change: c.3544A>T on transcript NM_000179.3 (MANE Select); coding-DNA position 3544, A replaced by T.
Protein change: p.Arg1182Ter; replaces arginine 1182 with a stop codon.
Molecular consequence: nonsense.
Genome position (GRCh38, 1-based): chr2:47,805,015, A>T. VCF-style: chr2-47805015-A-T. GRCh37 (hg19) VCF-style: chr2-48032154-A-T.
Other names: c.3154A>T, p.Arg1052Ter (NM_001281492.2); c.2638A>T, p.Arg880Ter (NM_001281493.2, NM_001281494.2, NM_001406811.1 and 6 more transcripts); c.3640A>T, p.Arg1214Ter (NM_001406795.1, NM_001406802.1); c.3544A>T, p.Arg1182Ter (NM_001406796.1, NM_001406800.1, NM_001406808.1 and 1 more transcripts); c.3247A>T, p.Arg1083Ter (NM_001406797.1, NM_001406801.1, NM_001406805.1 and 10 more transcripts); c.3370A>T, p.Arg1124Ter (NM_001406798.1); c.3019A>T, p.Arg1007Ter (NM_001406799.1, NM_001406806.1, NM_001406807.1); c.2680A>T, p.Arg894Ter (NM_001406803.1); and 7 more; short protein forms R497*, R1124*, R1052*, R1156*, R1214*, R131*, R660*, R894*.
Identifiers: ClinVar variation 1732509 (VCV001732509.2), dbSNP rs2104509747, ClinGen allele CA346760252.

ClinVar aggregate classification (germline): Pathogenic (1 of 4 stars; one submission).

Conditions:
Hereditary cancer-predisposing syndrome. Also called: Neoplastic Syndromes, Hereditary; Tumor predisposition; Hereditary Cancer Syndrome; Hereditary neoplastic syndrome. Identifiers: Orphanet 140162, MedGen C0027672, MeSH D009386, MONDO:0015356.

Submission:

Ambry Genetics
Classification: Pathogenic for Hereditary cancer-predisposing syndrome. Last evaluated: 2021-03-29. Review status: criteria provided, single submitter. Criteria: Ambry Variant Classification Scheme 2023. Collection method: clinical testing. Allele origin: germline.
Comment: The p.R1182* pathogenic mutation (also known as c.3544A>T), located in coding exon 6 of the MSH6 gene, results from an A to T substitution at nucleotide position 3544. This changes the amino acid from an arginine to a stop codon within coding exon 6. This alteration is expected to result in loss of function by premature protein truncation or nonsense-mediated mRNA decay. As such, this alteration is interpreted as a disease-causing mutation.